The following is an entry in ClinVar:

NM_020778.5(ALPK3):c.4453_4455del (p.Phe1485del)

Gene: ALPK3 (alpha kinase 3; plus strand). Cytogenetic location: 15q25.3.
Variant type: Deletion.
Coding change: c.4453_4455del on transcript NM_020778.5 (MANE Select); coding-DNA positions 4453 to 4455, 3 bases deleted (TTC; older notation c.4453_4455delTTC).
Protein change: p.Phe1485del; deletes phenylalanine 1485.
Molecular consequence: inframe deletion.
Genome position (GRCh38, 1-based): chr15:84,863,594-84,863,596, TTC deleted; deleting any 3 consecutive bases within chr15:84,863,592-84,863,596 gives the same sequence; the c. name uses the placement nearest the transcript's 3' end. VCF-style (leftmost placement, unchanged base first): chr15-84863591-ATCT-A. GRCh37 (hg19) VCF-style: chr15-85406822-ATCT-A.
Other names: short protein forms F1485del.
Identifiers: ClinVar variation 1745073 (VCV001745073.2), dbSNP rs2505728428, ClinGen allele CA2580090198.

ClinVar aggregate classification (germline): Uncertain significance (1 of 4 stars; one submission).

Conditions:
Cardiovascular phenotype. Identifiers: MedGen CN230736.

Submission:

Ambry Genetics
Classification: Uncertain significance for Cardiovascular phenotype. Last evaluated: 2022-08-02. Review status: criteria provided, single submitter. Criteria: Ambry Variant Classification Scheme 2023. Collection method: clinical testing. Allele origin: germline.
Comment: The c.5059_5061delTTC variant (also known as p.F1687del) is located in coding exon 11 of the ALPK3 gene. This variant results from an in-frame TTC deletion at nucleotide positions 5059 to 5061. This results in the in-frame deletion of a phenylalanine at codon 1687. This amino acid position is well conserved in available vertebrate species. Since supporting evidence is limited at this time, the clinical significance of this alteration remains unclear.